The following is an entry in ClinVar:

ClinVar aggregate classification (germline): Uncertain significance (1 of 4 stars; one submission).

Submission:

Labcorp Genetics (formerly Invitae), Labcorp
Classification: Uncertain significance. Last evaluated: 2024-03-21. Review status: criteria provided, single submitter. Criteria: Invitae Variant Classification Sherloc (09022015). Collection method: clinical testing. Allele origin: germline.
Comment: This sequence change replaces threonine, which is neutral and polar, with alanine, which is neutral and non-polar, at codon 701 of the TAOK2 protein (p.Thr701Ala). This variant is not present in population databases (gnomAD no frequency). This variant has not been reported in the literature in individuals affected with TAOK2-related conditions. An algorithm developed to predict the effect of missense changes on protein structure and function (PolyPhen-2) suggests that this variant is likely to be tolerated. In summary, the available evidence is currently insufficient to determine the role of this variant in disease. Therefore, it has been classified as a Variant of Uncertain Significance.

NM_016151.4(TAOK2):c.2101A>G (p.Thr701Ala)

Gene: TAOK2 (TAO kinase 2; plus strand). Cytogenetic location: 16p11.2.
Variant type: single nucleotide variant.
Coding change: c.2101A>G on transcript NM_016151.4 (MANE Select); coding-DNA position 2101, A replaced by G.
Protein change: p.Thr701Ala; replaces threonine 701 with alanine.
Molecular consequence: missense variant.
Genome position (GRCh38, 1-based): chr16:29,986,373, A>G. VCF-style: chr16-29986373-A-G. GRCh37 (hg19) VCF-style: chr16-29997694-A-G.
Other names: c.2101A>G, p.Thr701Ala (NM_001252043.2, NM_004783.4); short protein forms T701A.
Identifiers: ClinVar variation 3647225 (VCV003647225.2).